The following is an entry in ClinVar:

NM_001378452.1(ITPR1):c.356A>G (p.Asn119Ser)

Gene: ITPR1 (inositol 1,4,5-trisphosphate receptor type 1; plus strand). Cytogenetic location: 3p26.1.
Variant type: single nucleotide variant.
Coding change: c.356A>G on transcript NM_001378452.1 (MANE Select); coding-DNA position 356, A replaced by G.
Protein change: p.Asn119Ser; replaces asparagine 119 with serine.
Molecular consequence: missense variant.
Genome position (GRCh38, 1-based): chr3:4,639,460, A>G. VCF-style: chr3-4639460-A-G. GRCh37 (hg19) VCF-style: chr3-4681144-A-G.
Other names: c.356A>G (NM_002222.5); c.356A>G, p.Asn119Ser (NM_001099952.4, NM_001168272.2, NM_002222.7); short protein forms N119S.
Identifiers: ClinVar variation 1925696 (VCV001925696.11), dbSNP rs367863297, ClinGen allele CA2230854.

ClinVar aggregate classification (germline): Uncertain significance. Review status: criteria provided, multiple submitters, no conflicts (2 of 4 stars). 4 submissions from 4 submitters: Uncertain significance (4). Last evaluated 2026-08-01.

Allele frequency attached by ClinVar (database versions not stated): TOPMed 0.00001; gnomAD exomes 0.00005; gnomAD 0.00007; ExAC 0.00012; ESP Exome Variant Server 0.00016.
gnomAD v4.1: 80 of 1,578,776 alleles (0.0051%); highest among the groups gnomAD compares: African/African-American, 0.0027%; no homozygotes.

Submissions (4):

CeGaT Center for Human Genetics Tuebingen
Classification: Uncertain significance. Last evaluated: 2026-08-01. Review status: criteria provided, single submitter. Criteria: CeGaT Center For Human Genetics Tuebingen Variant Classification Criteria Version 2. Collection method: clinical testing. Allele origin: germline. Affected: yes. Observed: 2 variant alleles.
Comment: ITPR1: PP3, PS2:Supporting

Women's Health and Genetics/Laboratory Corporation of America, LabCorp
Classification: Uncertain significance. Last evaluated: 2024-11-27. Review status: criteria provided, single submitter. Criteria: LabCorp Variant Classification Summary - May 2015. Collection method: clinical testing. Allele origin: germline.
Comment: Variant summary: ITPR1 c.356A>G (p.Asn119Ser) results in a conservative amino acid change located in the Inositol 1,4,5-trisphosphate/ryanodine receptor domain (IPR014821) of the encoded protein sequence. Four of five in-silico tools predict a benign effect of the variant on protein function. The variant allele was found at a frequency of 0.0001 in 197984 control chromosomes. This frequency is not significantly higher than estimated for a pathogenic variant in ITPR1 causing Spinocerebellar Ataxia 29, allowing no conclusion about variant significance. To our knowledge, no occurrence of c.356A>G in individuals affected with Spinocerebellar Ataxia 29 and no experimental evidence demonstrating its impact on protein function have been reported. ClinVar contains an entry for this variant (Variation ID: 1925696). Based on the evidence outlined above, the variant was classified as uncertain significance.

GeneDx
Classification: Uncertain significance. Last evaluated: 2023-05-09. Review status: criteria provided, single submitter. Criteria: GeneDx Variant Classification Process June 2021. Collection method: clinical testing. Allele origin: germline. Affected: yes.
Comment: In silico analysis supports that this missense variant does not alter protein structure/function; This variant is associated with the following publications: (PMID: 31785789)

Labcorp Genetics (formerly Invitae), Labcorp
Classification: Uncertain significance. Last evaluated: 2022-08-02. Review status: criteria provided, single submitter. Criteria: Invitae Variant Classification Sherloc (09022015). Collection method: clinical testing. Allele origin: germline.
Comment: In summary, the available evidence is currently insufficient to determine the role of this variant in disease. Therefore, it has been classified as a Variant of Uncertain Significance. Algorithms developed to predict the effect of missense changes on protein structure and function (SIFT, PolyPhen-2, Align-GVGD) all suggest that this variant is likely to be tolerated. This missense change has been observed in individual(s) with a developmental disorder (PMID: 31785789). This variant is present in population databases (rs367863297, gnomAD 0.1%). This sequence change replaces asparagine, which is neutral and polar, with serine, which is neutral and polar, at codon 119 of the ITPR1 protein (p.Asn119Ser).

Literature cited by the submitters: PubMed 31785789 (cited by Labcorp Genetics (formerly Invitae), Labcorp).